The following is an entry in ClinVar:

ClinVar aggregate classification (germline): Uncertain significance. Review status: criteria provided, multiple submitters, no conflicts (2 of 4 stars). 2 submissions from 2 submitters: Uncertain significance (2). Last evaluated 2026-04-09.

Conditions:
Epidermolysis bullosa simplex, Ogna type (EBS5A). Also called: Pidermolysis bullosa simplex 5A, Ogna type; EPIDERMOLYSIS BULLOSA SIMPLEX 5A, OGNA TYPE. Identifiers: Orphanet 79401, MedGen C0432317, MONDO:0007555, OMIM 131950.
Autosomal recessive limb-girdle muscular dystrophy type 2Q (LGMDR17). Also called: MUSCULAR DYSTROPHY, LIMB-GIRDLE, AUTOSOMAL RECESSIVE 17. Identifiers: Orphanet 254361, MedGen C3150989, MONDO:0013390, OMIM 613723.
Epidermolysis bullosa simplex 5C, with pyloric atresia (EBS5C). Also called: PLEC-Related Epidermolysis Bullosa with Pyloric Atresia; Epidermolysis bullosa simplex with pyloric atresia; PLEC1-Related Epidermolysis Bullosa with Pyloric Atresia. Identifiers: Orphanet 158684, MedGen C2677349, MONDO:0012807, OMIM 612138.
Epidermolysis bullosa simplex 5B, with muscular dystrophy (EBS5B). Also called: EPIDERMOLYSIS BULLOSA SIMPLEX AND LIMB-GIRDLE MUSCULAR DYSTROPHY; Epidermolysis bullosa simplex with muscular dystrophy. Identifiers: Orphanet 257, MedGen C2931072, MONDO:0009181, OMIM 226670.
Epidermolysis bullosa simplex with nail dystrophy (EBS5D). Identifiers: MedGen C4225309, MONDO:0014661, OMIM 616487.

Allele frequency attached by ClinVar (database versions not stated): gnomAD 0.00001 and 0.00002; gnomAD exomes 0.00002; TOPMed 0.00002.
gnomAD v4.1: 28 of 1,567,352 alleles (0.0018%); highest among the groups gnomAD compares: Non-Finnish European, 0.0023%; no homozygotes.

Submissions (2):

Greenwood Genetic Center Diagnostic Laboratories, Greenwood Genetic Center
Classification: Uncertain significance. Last evaluated: 2026-04-09. Review status: criteria provided, single submitter. Criteria: ACMG Guidelines, 2015. Collection method: clinical testing. Allele origin: germline.
Comment: PM2

Labcorp Genetics (formerly Invitae), Labcorp
Classification: Uncertain significance for Autosomal recessive limb-girdle muscular dystrophy type 2Q; Epidermolysis bullosa simplex, Ogna type; Epidermolysis bullosa simplex with nail dystrophy; Epidermolysis bullosa simplex 5C, with pyloric atresia; Epidermolysis bullosa simplex 5B, with muscular dystrophy. Last evaluated: 2025-07-22. Review status: criteria provided, single submitter. Criteria: Invitae Variant Classification Sherloc (09022015). Collection method: clinical testing. Allele origin: germline.
Comment: This sequence change replaces glutamic acid, which is acidic and polar, with glycine, which is neutral and non-polar, at codon 2118 of the PLEC protein (p.Glu2118Gly). This variant is present in population databases (no rsID available, gnomAD 0.001%). This variant has not been reported in the literature in individuals affected with PLEC-related conditions. ClinVar contains an entry for this variant (Variation ID: 538974). An algorithm developed to predict the effect of missense changes on protein structure and function (PolyPhen-2) suggests that this variant is likely to be disruptive. In summary, the available evidence is currently insufficient to determine the role of this variant in disease. Therefore, it has been classified as a Variant of Uncertain Significance.

NM_201384.3(PLEC):c.6272A>G (p.Glu2091Gly)

Gene: PLEC (plectin; minus strand). Cytogenetic location: 8q24.3.
Variant type: single nucleotide variant.
Coding change: c.6272A>G on transcript NM_201384.3 (MANE Select); coding-DNA position 6272, A replaced by G.
Protein change: p.Glu2091Gly; replaces glutamic acid 2091 with glycine.
Molecular consequence: missense variant.
Genome position (GRCh38, 1-based): chr8:143,923,657, T>C on the plus strand (A>G on the coding strand, the complement: PLEC is on the minus strand). VCF-style: chr8-143923657-T-C. GRCh37 (hg19) VCF-style: chr8-144997825-T-C.
Other names: c.6353A>G, p.Glu2118Gly (NM_000445.5); c.6230A>G, p.Glu2077Gly (NM_201378.4); c.6206A>G, p.Glu2069Gly (NM_201379.3); c.6683A>G, p.Glu2228Gly (NM_201380.4); c.6176A>G, p.Glu2059Gly (NM_201381.3); c.6272A>G, p.Glu2091Gly (NM_201382.4); c.6284A>G, p.Glu2095Gly (NM_201383.3); short protein forms E2077G, E2118G, E2069G, E2059G, E2091G, E2095G, E2228G.
Identifiers: ClinVar variation 538974 (VCV000538974.7), dbSNP rs1204180231, ClinGen allele CA372537403.